The following is an entry in ClinVar:

ClinVar aggregate classification (germline): Uncertain significance (1 of 4 stars; one submission).

Submission:

ISCA site 15
Classification: Uncertain significance. Last evaluated: 2011-08-12. Review status: criteria provided, single submitter. Criteria: Kaminsky et al. (Genet Med. 2011). Collection method: clinical testing. Allele origin: unknown. Affected: yes. Observed: 1 variant allele.
Comment: Copy number variation identified through the course of routine clinical cytogenomic testing in postnatal populations. Clinical assertions have been curated as described in Kaminsky et al. 2011.

GRCh38/hg38 1q23.3(chr1:161513195-161671153)x3

Genes: FCGR2A (Fc gamma receptor IIa; plus strand), FCGR2B (Fc gamma receptor IIb; plus strand), FCGR2C (Fc gamma receptor IIc (gene/pseudogene); plus strand), FCGR3A (Fc gamma receptor IIIa; minus strand), FCGR3B (Fc gamma receptor IIIb; minus strand) and 10 more. Cytogenetic location: 1q23.3.
Variant type: copy number gain.
Change: copy number 3 (three copies instead of two) of chr1:161,513,195-161,671,153 (158.0 kb, GRCh38 coordinates, 1-based), cytogenetic band 1q23.3.
Identifiers: ClinVar variation 57816 (VCV000057816.1).